The following is an entry in ClinVar:

ClinVar aggregate classification (germline): Uncertain significance. Review status: criteria provided, multiple submitters, no conflicts (2 of 4 stars). 2 submissions from 2 submitters: Uncertain significance (2). Last evaluated 2026-06-01.

gnomAD v4.1: 2 of 1,613,946 alleles (0.00012%); highest among the groups gnomAD compares: South Asian, 0.0022%; no homozygotes.

Submissions (2):

Women's Health and Genetics/Laboratory Corporation of America, LabCorp
Classification: Uncertain significance. Last evaluated: 2026-06-01. Review status: criteria provided, single submitter. Criteria: LabCorp Variant Classification Summary - May 2015. Collection method: clinical testing. Allele origin: germline.
Comment: Variant summary: MYLK2 c.842G>C (p.Ser281Thr) results in a conservative amino acid change in the encoded protein sequence. Algorithms developed to predict the effect of missense changes on protein structure and function all suggest that this variant is likely to be tolerated. The variant allele was found at a frequency of 4e-06 in 251208 control chromosomes. The available data on variant occurrences in the general population are insufficient to allow any conclusion about variant significance. To our knowledge, no occurrence of c.842G>C in individuals affected with MYLK2-related conditions and no experimental evidence demonstrating its impact on protein function have been reported. ClinVar contains an entry for this variant (Variation ID: 4115087). Based on the evidence outlined above, the variant was classified as uncertain significance.

Ambry Genetics
Classification: Uncertain significance. Last evaluated: 2025-06-23. Review status: criteria provided, single submitter. Criteria: Ambry Variant Classification Scheme 2023. Collection method: clinical testing. Allele origin: germline.
Comment: The p.S281T variant (also known as c.842G>C), located in coding exon 4 of the MYLK2 gene, results from a G to C substitution at nucleotide position 842. The serine at codon 281 is replaced by threonine, an amino acid with similar properties. This amino acid position is conserved. In addition, this alteration is predicted to be tolerated by in silico analysis. Based on the available evidence, the clinical significance of this variant remains unclear.

NM_033118.4(MYLK2):c.842G>C (p.Ser281Thr)

Gene: MYLK2 (myosin light chain kinase 2; plus strand). Cytogenetic location: 20q11.21.
Variant type: single nucleotide variant.
Coding change: c.842G>C on transcript NM_033118.4 (MANE Select); coding-DNA position 842, G replaced by C.
Protein change: p.Ser281Thr; replaces serine 281 with threonine.
Molecular consequence: missense variant.
Genome position (GRCh38, 1-based): chr20:31,823,546, G>C. VCF-style: chr20-31823546-G-C. GRCh37 (hg19) VCF-style: chr20-30411349-G-C.
Other names: short protein forms S281T.
Identifiers: ClinVar variation 4115087 (VCV004115087.2).